The following is an entry in ClinVar:

ClinVar aggregate classification (germline): Uncertain significance. Review status: criteria provided, multiple submitters, no conflicts (2 of 4 stars). 2 submissions from 2 submitters: Uncertain significance (2). Last evaluated 2026-01-20.

Conditions:
Hereditary cancer-predisposing syndrome. Also called: Tumor predisposition; Neoplastic Syndromes, Hereditary; Hereditary neoplastic syndrome; Hereditary Cancer Syndrome. Identifiers: Orphanet 140162, MedGen C0027672, MeSH D009386, MONDO:0015356.

Allele frequency attached by ClinVar (database versions not stated): gnomAD exomes below 0.00001; ExAC 0.00001; gnomAD 0.00001; TOPMed 0.00001.
gnomAD v4.1: 2 of 1,614,076 alleles (0.00012%); highest among the groups gnomAD compares: African/African-American, 0.0027%; no homozygotes.

Submissions (2):

Labcorp Genetics (formerly Invitae), Labcorp
Classification: Uncertain significance. Last evaluated: 2026-01-20. Review status: criteria provided, single submitter. Criteria: Invitae Variant Classification Sherloc (09022015). Collection method: clinical testing. Allele origin: germline.
Comment: This sequence change replaces glutamic acid, which is acidic and polar, with valine, which is neutral and non-polar, at codon 233 of the MSH3 protein (p.Glu233Val). This variant is present in population databases (rs780448179, gnomAD 0.008%). This variant has not been reported in the literature in individuals affected with MSH3-related conditions. ClinVar contains an entry for this variant (Variation ID: 1516814). An algorithm developed to predict the effect of missense changes on protein structure and function (PolyPhen-2) suggests that this variant is likely to be disruptive. In summary, the available evidence is currently insufficient to determine the role of this variant in disease. Therefore, it has been classified as a Variant of Uncertain Significance.

Ambry Genetics
Classification: Uncertain significance for Hereditary cancer-predisposing syndrome. Last evaluated: 2024-12-13. Review status: criteria provided, single submitter. Criteria: Ambry Variant Classification Scheme 2023. Collection method: clinical testing. Allele origin: germline.
Comment: The p.E233V variant (also known as c.698A>T), located in coding exon 4 of the MSH3 gene, results from an A to T substitution at nucleotide position 698. The glutamic acid at codon 233 is replaced by valine, an amino acid with dissimilar properties. This amino acid position is highly conserved in available vertebrate species. In addition, this alteration is predicted to be deleterious by in silico analysis. Based on the available evidence, the clinical significance of this variant remains unclear.

NM_002439.5(MSH3):c.698A>T (p.Glu233Val)

Gene: MSH3 (mutS homolog 3; plus strand). Cytogenetic location: 5q14.1.
Variant type: single nucleotide variant.
Coding change: c.698A>T on transcript NM_002439.5 (MANE Select); coding-DNA position 698, A replaced by T.
Protein change: p.Glu233Val; replaces glutamic acid 233 with valine.
Molecular consequence: missense variant.
Genome position (GRCh38, 1-based): chr5:80,670,215, A>T. VCF-style: chr5-80670215-A-T. GRCh37 (hg19) VCF-style: chr5-79966034-A-T.
Other names: short protein forms E233V.
Identifiers: ClinVar variation 1516814 (VCV001516814.11), dbSNP rs780448179, ClinGen allele CA3327682.